The following is an entry in ClinVar:

ClinVar aggregate classification (germline): Likely pathogenic. Review status: reviewed by expert panel (3 of 4 stars). 3 submissions from 3 submitters: Likely pathogenic (1). 2 of the submissions do not count toward it. Last evaluated 2026-04-28.

Conditions:
Autosomal recessive limb-girdle muscular dystrophy. Identifiers: Orphanet 102015, MedGen C2931907, MONDO:0015152.
Neuromuscular disease caused by qualitative or quantitative defects of dysferlin. Also called: Qualitative or quantitative defects of dysferlin; Dysferlinopathy. Identifiers: Orphanet 207073, MedGen C2931687, MONDO:0016145.

Allele frequency attached by ClinVar (database versions not stated): gnomAD exomes below 0.00001; TOPMed below 0.00001.
gnomAD v4.1: 6 of 1,614,194 alleles (0.00037%); highest among the groups gnomAD compares: Non-Finnish European, 0.000085%; no homozygotes.

Submissions (3):

ClinGen Limb Girdle Muscular Dystrophy Variant Curation Expert Panel, ClinGen
Classification: Likely pathogenic for Autosomal recessive limb-girdle muscular dystrophy. Last evaluated: 2026-04-28. Review status: reviewed by expert panel. Criteria: ClinGen LGMD VCEP ACMG Specifications DYSF V2.0.0. Collection method: curation. Allele origin: germline. Inheritance: Autosomal recessive inheritance.
Comment: The NM_003494.4: c.663G>C variant in DYSF, which is also known as NM_001130987.2: c.759G>C p.(Gln253His), is a missense variant predicted to cause substitution of glutamine by histidine at amino acid 221, p.(Gln221His). At least one individual with this variant and a second pathogenic DYSF variant displayed progressive limb girdle muscle weakness or had a clinical suspicion of LGMD (PMID: 35047756; PP4). This variant has been observed in a heterozygous state with a second presumed diagnostic DYSF variant in one affected family member, but phase was not confirmed (ClinVar SCV000953073.7 internal data communication; PP1 not met). The highest frequency of this variant in a non-bottlenecked genetic ancestry group in gnomAD v4.1.0 is 0.000000047 (1/1180028 European (non-Finnish) chromosomes), which is lower than the LGMD VCEP threshold (<0.0001) (PM2_Supporting). This variant is located within the splice donor region of exon 6, affecting the last nucleotide of the exon. SpliceAI gives a delta score of 0.97 for loss of the canonical donor and of 0.72 for strengthening of a cryptic donor located at +72, suggesting altered splicing may occur. In addition, the computational predictor REVEL gives a score of 0.802, which is above the LGMD VCEP threshold of ≥0.70 (PP3). Another nucleotide change affecting the same splice motif and with the same predicted splice effect, NM_003494.4: c.663+1G>C, is classified as pathogenic for autosomal recessive limb girdle muscular dystrophy by the ClinGen LGMD VCEP (PS1_Moderate). In summary, this variant meets the criteria to be classified as Likely Pathogenic for autosomal recessive limb girdle muscular dystrophy based on the ACMG/AMP criteria applied, as specified by the ClinGen LGMD VCEP (specifications v2.0.0; 04/28/2026): PM3, PP4, PM2_Supporting, PP3, PS1_Moderate.

Labcorp Genetics (formerly Invitae), Labcorp
Classification: Pathogenic for Neuromuscular disease caused by qualitative or quantitative defects of dysferlin. Last evaluated: 2025-01-07. Review status: criteria provided, single submitter. Criteria: Invitae Variant Classification Sherloc (09022015). Collection method: clinical testing. Allele origin: germline. Not counted in ClinVar's aggregate classification.
Comment: This sequence change replaces glutamine, which is neutral and polar, with histidine, which is basic and polar, at codon 221 of the DYSF protein (p.Gln221His). This variant also falls at the last nucleotide of exon 6, which is part of the consensus splice site for this exon. This variant is not present in population databases (gnomAD no frequency). This missense change has been observed in individual(s) with dysferlinopathy (PMID: 36580222; internal data). In at least one individual the data is consistent with being in trans (on the opposite chromosome) from a pathogenic variant. It has also been observed to segregate with disease in related individuals. This variant is also known as c.759G>C (p.Gln253His). ClinVar contains an entry for this variant (Variation ID: 290515). An algorithm developed to predict the effect of missense changes on protein structure and function (PolyPhen-2) suggests that this variant is likely to be disruptive. Variants that disrupt the consensus splice site are a relatively common cause of aberrant splicing (PMID: 17576681, 9536098). Algorithms developed to predict the effect of sequence changes on RNA splicing suggest that this variant may disrupt the consensus splice site. For these reasons, this variant has been classified as Pathogenic.

Eurofins Ntd Llc (ga)
Classification: Uncertain significance. Last evaluated: 2016-09-23. Review status: criteria provided, single submitter. Criteria: EGL Classification Definitions 2015. Collection method: clinical testing. Allele origin: germline. Observed: 1 variant allele, 1 heterozygote. Not counted in ClinVar's aggregate classification.

Literature cited by the submitters: PubMed 36580222 (cited by Labcorp Genetics (formerly Invitae), Labcorp); PubMed 17576681 (cited by Labcorp Genetics (formerly Invitae), Labcorp); PubMed 9536098 (cited by Labcorp Genetics (formerly Invitae), Labcorp).

NM_001130987.2(DYSF):c.759G>C (p.Gln253His)

Gene: DYSF (dysferlin; plus strand). Cytogenetic location: 2p13.2.
Variant type: single nucleotide variant.
Coding change: c.759G>C on transcript NM_001130987.2 (MANE Select); coding-DNA position 759, G replaced by C.
Protein change: p.Gln253His; replaces glutamine 253 with histidine.
Molecular consequence: missense variant.
Genome position (GRCh38, 1-based): chr2:71,513,921, G>C. VCF-style: chr2-71513921-G-C. GRCh37 (hg19) VCF-style: chr2-71741051-G-C.
Other names: NM_001130987.2(DYSF):c.759G>C; p.Gln253His; c.666G>C, p.Gln222His (NM_001130455.2, NM_001130983.2, NM_001130984.2 and 1 more transcripts); c.663G>C, p.Gln221His (NM_001130976.2, NM_001130977.2, NM_001130978.2 and 1 more transcripts); c.756G>C, p.Gln252His (NM_001130979.2, NM_001130980.2, NM_001130981.2); c.759G>C, p.Gln253His (NM_001130982.2, NM_001130985.2); short protein forms Q221H, Q253H, Q222H, Q252H.
Identifiers: ClinVar variation 290515 (VCV000290515.14), dbSNP rs886044472, ClinGen allele CA10606797.